The following is an entry in ClinVar:

ClinVar aggregate classification (germline): Likely benign (1 of 4 stars; one submission).

Allele frequency attached by ClinVar (database versions not stated): gnomAD 0.00001 and 0.00002; TOPMed 0.00001; ExAC 0.00005.
gnomAD v4.1: 34 of 1,552,472 alleles (0.0022%); highest among the groups gnomAD compares: East Asian, 0.015%; no homozygotes.

Submission:

GeneDx
Classification: Likely benign. Last evaluated: 2017-06-09. Review status: criteria provided, single submitter. Criteria: GeneDx Variant Classification (06012015). Collection method: clinical testing. Allele origin: germline. Affected: yes.
Comment: This variant is considered likely benign or benign based on one or more of the following criteria: it is a conservative change, it occurs at a poorly conserved position in the protein, it is predicted to be benign by multiple in silico algorithms, and/or has population frequency not consistent with disease.

NM_001191061.2(SLC25A22):c.-29C>T

Gene: SLC25A22 (solute carrier family 25 member 22; minus strand). Cytogenetic location: 11p15.5.
Variant type: single nucleotide variant.
Coding change: c.-29C>T on transcript NM_001191061.2 (MANE Select); 29 bases upstream of the start codon, C replaced by T.
Molecular consequence: 5 prime UTR variant.
Genome position (GRCh38, 1-based): chr11:795,035, G>A on the plus strand (C>T on the coding strand, the complement: SLC25A22 is on the minus strand). VCF-style: chr11-795035-G-A. GRCh37 (hg19) VCF-style: chr11-795035-G-A.
Other names: c.-29C>T (NM_001191060.2, NM_024698.6).
Identifiers: ClinVar variation 510039 (VCV000510039.1), dbSNP rs776639940, ClinGen allele CA5789434.
Genomic context (GRCh38, chr11:795,035, plus strand): 5'-CTGGAGTCTGACCTGATCTGCTTATCAGCCATTTAACTCGATTGCACCCAGGTAGGAGCC[G>A]CAGAGGTGGACGCCAGGCCAGGCGGGGTGGAGGTGGAGGTGGAGGAGGCCTTGAGGGAGG-3'